The following is an entry in ClinVar:

ClinVar aggregate classification (germline): Likely pathogenic (1 of 4 stars; one submission).

Submission:

CeGaT Center for Human Genetics Tuebingen
Classification: Likely pathogenic. Last evaluated: 2025-09-01. Review status: criteria provided, single submitter. Criteria: CeGaT Center For Human Genetics Tuebingen Variant Classification Criteria Version 2. Collection method: clinical testing. Allele origin: germline. Affected: yes. Observed: 1 variant allele.
Comment: TTN: PVS1:Strong, PM2

NM_001267550.2(TTN):c.5827_5870del (p.Pro1943fs)

Gene: TTN (titin; minus strand). Cytogenetic location: 2q31.2.
Variant type: Deletion.
Coding change: c.5827_5870del on transcript NM_001267550.2 (MANE Select); coding-DNA positions 5827 to 5870, 44 bases deleted.
Protein change: p.Pro1943fs; shifts the reading frame from proline 1943.
Molecular consequence: frameshift variant.
Genome position (GRCh38, 1-based): chr2:178,775,994-178,776,037, 44 bases deleted; deleting any 44 consecutive bases within chr2:178,775,994-178,776,041 gives the same sequence; the c. name uses the placement nearest the transcript's 3' end. GRCh37 (hg19): chr2:179,640,725-179,640,768.
Other names: c.5827_5870del, p.Pro1943fs (NM_001256850.1, NM_133378.4, NM_133379.5); c.5689_5732del, p.Pro1897fs (NM_003319.4, NM_133432.3, NM_133437.4); short protein forms P1897fs, P1943fs.
Identifiers: ClinVar variation 4281445 (VCV004281445.7).
Genomic context (GRCh38, chr2:178,775,993, plus strand): 5'-CACAACTTCTTTGGTTTCAGTGGTGTCAACAGGTCTATCCACTTTTTGTACTTCAAACTG[AAGCTTTCCTGGTTCATGTACGTGAAACTCAGGCCTTGGTTCAGG>A]AGCTCTCCTAAGGACAGACCTAAAATCTTCCCTCTGTTGAATCTCAAGCTTCACTTTATG-3'